The following is an entry in ClinVar:

NM_004977.3(KCNC3):c.2023G>A (p.Glu675Lys)

Gene: KCNC3 (potassium voltage-gated channel subfamily C member 3; minus strand). Cytogenetic location: 19q13.33.
Variant type: single nucleotide variant.
Coding change: c.2023G>A on transcript NM_004977.3 (MANE Select); coding-DNA position 2023, G replaced by A.
Protein change: p.Glu675Lys; replaces glutamic acid 675 with lysine.
Molecular consequence: missense variant. On other transcripts: non-coding transcript variant (1).
Genome position (GRCh38, 1-based): chr19:50,320,740, C>T on the plus strand (G>A on the coding strand, the complement: KCNC3 is on the minus strand). VCF-style: chr19-50320740-C-T. GRCh37 (hg19) VCF-style: chr19-50823997-C-T.
Other names: c.1795G>A, p.Glu599Lys (NM_001372305.1); short protein forms E599K, E675K.
Identifiers: ClinVar variation 995165 (VCV000995165.8), dbSNP rs758477949, ClinGen allele CA9594127.
Genomic context (GRCh38, chr19:50,320,740, plus strand): 5'-GCGTGATGGGGCTCTTGTCTTCCGGGGACATGGCAGGCTGGTCAATGGCTGGGCAGTCCT[C>T]GTGGGCAAGCGCAGCTGCTGCCGGATCCCCATTGGGGCGAGGATCTGCATCCCAAGGGGG-3'
Protein context (NP_004968.2, residues 665-685): GDPAAAALAH[Glu675Lys]DCPAIDQPAM

ClinVar aggregate classification (germline): Uncertain significance. Review status: criteria provided, multiple submitters, no conflicts (2 of 4 stars). 3 submissions from 3 submitters: Uncertain significance (3). Last evaluated 2024-08-22.

Allele frequency attached by ClinVar (database versions not stated): gnomAD 0.00001; gnomAD exomes 0.00001 and 0.00002; ExAC 0.00003; TOPMed 0.00004.
gnomAD v4.1: 12 of 1,613,758 alleles (0.00074%); highest among the groups gnomAD compares: Admixed American, 0.0017%; no homozygotes.

Submissions (3):

Women's Health and Genetics/Laboratory Corporation of America, LabCorp
Classification: Uncertain significance. Last evaluated: 2024-08-22. Review status: criteria provided, single submitter. Criteria: LabCorp Variant Classification Summary - May 2015. Collection method: clinical testing. Allele origin: germline.
Comment: Variant summary: KCNC3 c.2023G>A (p.Glu675Lys) results in a conservative amino acid change in the encoded protein sequence. Four of five in-silico tools predict a damaging effect of the variant on protein function. The variant allele was found at a frequency of 2.4e-05 in 250044 control chromosomes. The available data on variant occurrences in the general population are insufficient to allow any conclusion about variant significance. To our knowledge, no occurrence of c.2023G>A in individuals affected with Spinocerebellar Ataxia Type 13 and no experimental evidence demonstrating its impact on protein function have been reported. ClinVar contains an entry for this variant (Variation ID: 995165). Based on the evidence outlined above, the variant was classified as uncertain significance.

Labcorp Genetics (formerly Invitae), Labcorp
Classification: Uncertain significance. Last evaluated: 2022-09-07. Review status: criteria provided, single submitter. Criteria: Invitae Variant Classification Sherloc (09022015). Collection method: clinical testing. Allele origin: germline.
Comment: This sequence change replaces glutamic acid, which is acidic and polar, with lysine, which is basic and polar, at codon 675 of the KCNC3 protein (p.Glu675Lys). This variant is present in population databases (rs758477949, gnomAD 0.004%). This variant has not been reported in the literature in individuals affected with KCNC3-related conditions. ClinVar contains an entry for this variant (Variation ID: 995165). Advanced modeling of protein sequence and biophysical properties (such as structural, functional, and spatial information, amino acid conservation, physicochemical variation, residue mobility, and thermodynamic stability) performed at Invitae indicates that this missense variant is expected to disrupt KCNC3 protein function. In summary, the available evidence is currently insufficient to determine the role of this variant in disease. Therefore, it has been classified as a Variant of Uncertain Significance.

Athena Diagnostics
Classification: Uncertain significance. Last evaluated: 2021-01-12. Review status: criteria provided, single submitter. Criteria: Athena Diagnostics criteria. Collection method: clinical testing. Allele origin: unknown.